The following is an entry in ClinVar:

ClinVar aggregate classification (germline): Uncertain significance. Review status: criteria provided, multiple submitters, no conflicts (2 of 4 stars). 2 submissions from 2 submitters: Uncertain significance (2). Last evaluated 2023-11-24.

Conditions:
Cutis laxa, X-linked (OHS). Also called: EDS IX; Occipital horn syndrome. Identifiers: Orphanet 198, MedGen C0268353, MONDO:0010572, OMIM 304150.
Menkes kinky-hair syndrome (MNK). Also called: Classic Menkes Disease; Copper transport disease; Menkes Disease. Identifiers: Orphanet 565, MedGen C0022716, MONDO:0010651, OMIM 309400.
X-linked distal spinal muscular atrophy type 3. Also called: ATP7A-Related Distal Motor Neuropathy; SPINAL MUSCULAR ATROPHY, DISTAL, X-LINKED RECESSIVE; NEURONOPATHY, DISTAL HEREDITARY MOTOR, X-LINKED; NEUROPATHY, DISTAL HEREDITARY MOTOR, X-LINKED. Identifiers: Orphanet 139557, MedGen C1845359, MONDO:0010338, OMIM 300489.

Allele frequency attached by ClinVar (database versions not stated): TOPMed 0.00001.

Submissions (2):

Labcorp Genetics (formerly Invitae), Labcorp
Classification: Uncertain significance for X-linked distal spinal muscular atrophy type 3; Cutis laxa, X-linked; Menkes kinky-hair syndrome. Last evaluated: 2023-11-24. Review status: criteria provided, single submitter. Criteria: Invitae Variant Classification Sherloc (09022015). Collection method: clinical testing. Allele origin: germline.
Comment: This sequence change replaces aspartic acid, which is acidic and polar, with asparagine, which is neutral and polar, at codon 251 of the ATP7A protein (p.Asp251Asn). This variant is not present in population databases (gnomAD no frequency). This variant has not been reported in the literature in individuals affected with ATP7A-related conditions. Advanced modeling of protein sequence and biophysical properties (such as structural, functional, and spatial information, amino acid conservation, physicochemical variation, residue mobility, and thermodynamic stability) performed at Invitae indicates that this missense variant is not expected to disrupt ATP7A protein function with a negative predictive value of 95%. In summary, the available evidence is currently insufficient to determine the role of this variant in disease. Therefore, it has been classified as a Variant of Uncertain Significance.

GeneDx
Classification: Uncertain significance. Last evaluated: 2023-05-02. Review status: criteria provided, single submitter. Criteria: GeneDx Variant Classification Process June 2021. Collection method: clinical testing. Allele origin: germline. Affected: yes.
Comment: Not observed at significant frequency in large population cohorts (gnomAD); In silico analysis supports that this missense variant has a deleterious effect on protein structure/function; Has not been previously published as pathogenic or benign to our knowledge

NM_000052.7(ATP7A):c.751G>A (p.Asp251Asn)

Gene: ATP7A (ATPase copper transporting alpha; plus strand). Cytogenetic location: Xq21.1.
Variant type: single nucleotide variant.
Coding change: c.751G>A on transcript NM_000052.7 (MANE Select); coding-DNA position 751, G replaced by A.
Protein change: p.Asp251Asn; replaces aspartic acid 251 with asparagine.
Molecular consequence: missense variant.
Genome position (GRCh38, 1-based): chrX:77,989,373, G>A. VCF-style: chrX-77989373-G-A. GRCh37 (hg19) VCF-style: chrX-77244869-G-A.
Other names: c.751G>A, p.Asp251Asn (NM_001282224.2); short protein forms D251N.
Identifiers: ClinVar variation 2662946 (VCV002662946.2), dbSNP rs2077656577, ClinGen allele CA413600746.